The following is an entry in ClinVar:

NM_014679.5(CEP57):c.89G>A (p.Arg30Gln)

Gene: CEP57 (centrosomal protein 57; plus strand). Cytogenetic location: 11q21.
Variant type: single nucleotide variant.
Coding change: c.89G>A on transcript NM_014679.5 (MANE Select); coding-DNA position 89, G replaced by A.
Protein change: p.Arg30Gln; replaces arginine 30 with glutamine.
Molecular consequence: missense variant.
Genome position (GRCh38, 1-based): chr11:95,799,275, G>A. VCF-style: chr11-95799275-G-A. GRCh37 (hg19) VCF-style: chr11-95532439-G-A.
Other names: c.62G>A, p.Arg21Gln (NM_001243776.2); c.89G>A, p.Arg30Gln (NM_001243777.2); c.8G>A, p.Arg3Gln (NM_001363604.2); short protein forms R30Q, R21Q, R3Q.
Identifiers: ClinVar variation 539593 (VCV000539593.12), dbSNP rs577173144, ClinGen allele CA6239363.

ClinVar aggregate classification (germline): Uncertain significance (1 of 4 stars; one submission).

Conditions:
Mosaic variegated aneuploidy syndrome 2 (MVA2). Identifiers: Orphanet 1052, MedGen C3279843, MONDO:0013582, OMIM 614114.

Allele frequency attached by ClinVar (database versions not stated): gnomAD 0.00001 and 0.00002; ExAC 0.00002; 1000 Genomes Project 30x 0.00016; 1000 Genomes Project 0.00020.
gnomAD v4.1: 12 of 1,614,024 alleles (0.00074%); highest among the groups gnomAD compares: East Asian, 0.0089%; no homozygotes.

Submission:

Labcorp Genetics (formerly Invitae), Labcorp
Classification: Uncertain significance for Mosaic variegated aneuploidy syndrome 2. Last evaluated: 2026-01-15. Review status: criteria provided, single submitter. Criteria: Invitae Variant Classification Sherloc (09022015). Collection method: clinical testing. Allele origin: germline.
Comment: This sequence change replaces arginine, which is basic and polar, with glutamine, which is neutral and polar, at codon 30 of the CEP57 protein (p.Arg30Gln). This variant is present in population databases (rs577173144, gnomAD 0.01%). This variant has not been reported in the literature in individuals affected with CEP57-related conditions. ClinVar contains an entry for this variant (Variation ID: 539593). Invitae Evidence Modeling of protein sequence and biophysical properties (such as structural, functional, and spatial information, amino acid conservation, physicochemical variation, residue mobility, and thermodynamic stability) indicates that this missense variant is not expected to disrupt CEP57 protein function with a negative predictive value of 80%. In summary, the available evidence is currently insufficient to determine the role of this variant in disease. Therefore, it has been classified as a Variant of Uncertain Significance.